The following is an entry in ClinVar:

ClinVar aggregate classification (germline): Uncertain significance. Review status: criteria provided, multiple submitters, no conflicts (2 of 4 stars). 2 submissions from 2 submitters: Uncertain significance (2). Last evaluated 2025-11-20.

Conditions:
Mendelian susceptibility to mycobacterial diseases due to complete IL12RB1 deficiency. Also called: IL12RB1 DEFICIENCY; Immunodeficiency 30. Identifiers: Orphanet 319552, MedGen C4013949, MONDO:0013955, OMIM 614891.
Inborn genetic diseases. Identifiers: MedGen C0950123, MeSH D030342.

Allele frequency attached by ClinVar (database versions not stated): TOPMed 0.00004; gnomAD exomes 0.00011 and 0.00005; ExAC 0.00003; gnomAD 0.00003.
gnomAD v4.1: 163 of 1,609,036 alleles (0.01%); highest among the groups gnomAD compares: Non-Finnish European, 0.013%; no homozygotes.

Submissions (2):

Ambry Genetics
Classification: Uncertain significance for Inborn genetic diseases. Last evaluated: 2025-11-20. Review status: criteria provided, single submitter. Criteria: Ambry Variant Classification Scheme 2023. Collection method: clinical testing. Allele origin: germline.

Labcorp Genetics (formerly Invitae), Labcorp
Classification: Uncertain significance for Mendelian susceptibility to mycobacterial diseases due to complete IL12RB1 deficiency. Last evaluated: 2022-08-23. Review status: criteria provided, single submitter. Criteria: Invitae Variant Classification Sherloc (09022015). Collection method: clinical testing. Allele origin: germline.
Comment: This sequence change replaces proline, which is neutral and non-polar, with leucine, which is neutral and non-polar, at codon 393 of the IL12RB1 protein (p.Pro393Leu). This variant is present in population databases (rs748284308, gnomAD 0.01%). This variant has not been reported in the literature in individuals affected with IL12RB1-related conditions. ClinVar contains an entry for this variant (Variation ID: 1064308). Algorithms developed to predict the effect of missense changes on protein structure and function are either unavailable or do not agree on the potential impact of this missense change (SIFT: "Deleterious"; PolyPhen-2: "Benign"; Align-GVGD: "Class C35"). In summary, the available evidence is currently insufficient to determine the role of this variant in disease. Therefore, it has been classified as a Variant of Uncertain Significance.

NM_005535.3(IL12RB1):c.1178C>T (p.Pro393Leu)

Gene: IL12RB1 (interleukin 12 receptor subunit beta 1; minus strand). Cytogenetic location: 19p13.11.
Variant type: single nucleotide variant.
Coding change: c.1178C>T on transcript NM_005535.3 (MANE Select); coding-DNA position 1178, C replaced by T.
Protein change: p.Pro393Leu; replaces proline 393 with leucine.
Molecular consequence: missense variant.
Genome position (GRCh38, 1-based): chr19:18,069,557, G>A on the plus strand (C>T on the coding strand, the complement: IL12RB1 is on the minus strand). VCF-style: chr19-18069557-G-A. GRCh37 (hg19) VCF-style: chr19-18180367-G-A.
Other names: c.1178C>T, p.Pro393Leu (NM_001290023.2); c.1298C>T, p.Pro433Leu (NM_001290024.2); short protein forms P393L, P433L.
Identifiers: ClinVar variation 1064308 (VCV001064308.6), dbSNP rs748284308, ClinGen allele CA9304939.
Genomic context (GRCh38, chr19:18,069,557, plus strand): 5'-AAGGGAGGGCACAGAGGAGGGGTAGGCGCAGGCCATTCCAGGCCATTACCCATTCCAGCC[G>A]GATCCGGGTCTTGCGGCGCAGTCAGGCTGCAGGTGGCAAGGCCCCCGTCCTGGCCCACAG-3'
Protein context (NP_005526.1, residues 383-403): CSLTAPQDPD[Pro393Leu]AGMATYSWSR